The following is an entry in ClinVar:

ClinVar aggregate classification (germline): Pathogenic (0 of 4 stars; one submission).

Conditions:
PHOX2B-related disorder. Also called: PHOX2B-related condition.

Submission:

PreventionGenetics, part of Exact Sciences
Classification: Pathogenic for PHOX2B-related condition. Last evaluated: 2024-03-05. Review status: no assertion criteria provided. Collection method: clinical testing. Allele origin: germline.
Comment: The PHOX2B c.761_762insCGCGGCAGCGGCGGCGGCGGCCGCGGCAGCGGCGGCGGCGGC variant is predicted to result in an in-frame amino acid insertion (p.Ala247_Ala260dup). This duplication causes an expansion of the polyalanine repeat region from 20 alanine repeats (normal) to 34 repeats, which is consistent with a diagnosis of congenital central hypoventilation syndrome (Matera et al. 2004. PubMed ID: 15121777; Di Lascio et al. 2013. PubMed ID: 23103552). Please note that 33 repeats have been reported as the largest known repeat length in the literature (Weese-Mayer et al. 2021. PubMed ID: 20301600). To our knowledge, this variant has not been reported in the literature or in a large population database, indicating this variant is rare. Taken together, this variant is interpreted as pathogenic.

NM_003924.4(PHOX2B):c.741CGCGGCAGCGGCGGCGGCGGC[3] (p.Ala260_Gly261insAlaAlaAlaAlaAlaAlaAlaAlaAlaAlaAlaAlaAlaAla)

Genes: PHOX2B (paired like homeobox 2B; minus strand), LOC110011216 (paired like homeobox 2b polyalanine repeat instability region; plus strand). Cytogenetic location: 4p13.
Variant type: Microsatellite.
Coding change: c.741CGCGGCAGCGGCGGCGGCGGC[3] on transcript NM_003924.4 (MANE Select); three copies in a row of the 21-base unit CGCGGCAGCGGCGGCGGCGGC starting at c.741.
Protein change: p.Ala260_Gly261insAlaAlaAlaAlaAlaAlaAlaAlaAlaAlaAlaAlaAlaAla.
Molecular consequence: inframe insertion. On other transcripts: inframe indel (2).
Genome position: GRCh38, VCF-style position (the base before the change): chr4:41,745,990. GRCh37 (hg19), VCF-style position (the base before the change): chr4:41,748,007.
Other names: c.730_750GCGGCGGCGGCCGCGGCAGCG[3], p.Ala260_Gly261insAlaAlaAlaAlaAlaAlaAlaAlaAlaAlaAlaAlaAlaAla (NM_003924.3); c.761_762insCGCGGCAGCGGCGGCGGCGGCCGCGGCAGCGGCGGCGGCGGC (NM_003924.3).
Identifiers: ClinVar variation 3348471 (VCV003348471.1).